The following is an entry in ClinVar:

ClinVar aggregate classification (germline): Benign (1 of 4 stars; one submission).

Allele frequency attached by ClinVar (database versions not stated): gnomAD 0.06503 and 0.06895; 1000 Genomes Project 0.07089; TOPMed 0.07411; 1000 Genomes Project 30x 0.07495.
gnomAD v4.1: 9,807 of 151,954 alleles (6.5%); highest among the groups gnomAD compares: African/African-American, 21%; 892 homozygotes.

Submission:

GeneDx
Classification: Benign. Last evaluated: 2018-06-16. Review status: criteria provided, single submitter. Criteria: GeneDx Variant Classification (06012015). Collection method: clinical testing. Allele origin: germline. Affected: yes.
Comment: This variant is considered likely benign or benign based on one or more of the following criteria: it is a conservative change, it occurs at a poorly conserved position in the protein, it is predicted to be benign by multiple in silico algorithms, and/or has population frequency not consistent with disease.

NM_015272.5(RPGRIP1L):c.530-280G>A

Gene: RPGRIP1L (RPGRIP1 like; minus strand). Cytogenetic location: 16q12.2.
Variant type: single nucleotide variant.
Coding change: c.530-280G>A on transcript NM_015272.5 (MANE Select); 280 bases into the intron before coding-DNA position 530, G replaced by A.
Molecular consequence: intron variant.
Genome position (GRCh38, 1-based): chr16:53,688,245, C>T on the plus strand (G>A on the coding strand, the complement: RPGRIP1L is on the minus strand). VCF-style: chr16-53688245-C-T. GRCh37 (hg19) VCF-style: chr16-53722157-C-T.
Other names: c.530-280G>A (NM_001127897.4, NM_001330538.2, NM_001308334.3).
Identifiers: ClinVar variation 673540 (VCV000673540.1), dbSNP rs74018186, ClinGen allele CA281372532.